The following is an entry in ClinVar:

ClinVar aggregate classification (germline): Uncertain significance. Review status: criteria provided, multiple submitters, no conflicts (2 of 4 stars). 6 submissions from 6 submitters: Uncertain significance (3). 3 of the submissions do not count toward it. Last evaluated 2024-05-30.

Conditions:
BBS2-related disorder. Also called: BBS2-related disorders; BBS2-related condition. Identifiers: MedGen CN239228.
Bardet-Biedl syndrome (BBS). Identifiers: Orphanet 110, MedGen C0752166, MONDO:0015229.
Bardet-Biedl syndrome 2 (BBS2). Identifiers: Orphanet 110, MedGen C2936863, MONDO:0014432, OMIM 615981.

Allele frequency attached by ClinVar (database versions not stated): ExAC 0.00004; gnomAD 0.00004; gnomAD exomes 0.00004 and 0.00009; TOPMed 0.00005.
gnomAD v4.1: 128 of 1,613,920 alleles (0.0079%); highest among the groups gnomAD compares: Non-Finnish European, 0.011%; no homozygotes.

Submissions (6):

Blueprint Genetics
Classification: Uncertain significance. Last evaluated: 2024-05-30. Review status: criteria provided, single submitter. Criteria: ACMG Guidelines, 2015. Collection method: clinical testing. Allele origin: germline.

Women's Health and Genetics/Laboratory Corporation of America, LabCorp
Classification: Uncertain significance. Last evaluated: 2022-06-08. Review status: criteria provided, single submitter. Criteria: LabCorp Variant Classification Summary - May 2015. Collection method: clinical testing. Allele origin: germline.
Comment: Variant summary: BBS2 c.1885G>A (p.Glu629Lys) results in a conservative amino acid change located in the Ciliary BBSome complex subunit 2, C-terminal domain of the encoded protein sequence. Four of five in-silico tools predict a damaging effect of the variant on protein function. The variant allele was found at a frequency of 3.6e-05 in 251448 control chromosomes. The available data on variant occurrences in the general population are insufficient to allow any conclusion about variant significance. c.1885G>A has been reported in the literature in one individual affected with Bardet-Biedl Syndrome who also carries two BBS10 pathogenic variants. This report does not provide unequivocal conclusions about association of the variant with Bardet-Biedl Syndrome. To our knowledge, no experimental evidence demonstrating an impact on protein function has been reported. Three clinical diagnostic laboratories have submitted clinical-significance assessments for this variant to ClinVar after 2014 without evidence for independent evaluation. All laboratories classified the variant as uncertain significance. Based on the evidence outlined above, the variant was classified as uncertain significance.

Labcorp Genetics (formerly Invitae), Labcorp
Classification: Uncertain significance for Bardet-Biedl syndrome. Last evaluated: 2022-05-25. Review status: criteria provided, single submitter. Criteria: Invitae Variant Classification Sherloc (09022015). Collection method: clinical testing. Allele origin: germline.
Comment: This sequence change replaces glutamic acid, which is acidic and polar, with lysine, which is basic and polar, at codon 629 of the BBS2 protein (p.Glu629Lys). This variant is present in population databases (rs746505864, gnomAD 0.008%). This missense change has been observed in individual(s) with Bardet-Biedl syndrome (PMID: 20120035). ClinVar contains an entry for this variant (Variation ID: 550587). Algorithms developed to predict the effect of missense changes on protein structure and function (SIFT, PolyPhen-2, Align-GVGD) all suggest that this variant is likely to be disruptive. In summary, the available evidence is currently insufficient to determine the role of this variant in disease. Therefore, it has been classified as a Variant of Uncertain Significance.

PreventionGenetics, part of Exact Sciences
Classification: Uncertain significance for BBS2-related condition. Last evaluated: 2024-06-11. Review status: no assertion criteria provided. Collection method: clinical testing. Allele origin: germline. Not counted in ClinVar's aggregate classification.
Comment: The BBS2 c.1885G>A variant is predicted to result in the amino acid substitution p.Glu629Lys. This variant has been reported in an individual with Bardet-Biedl syndrome; however, this individual also has two protein-truncating variants in BBS10 (Hjortshøj et al. 2010. PubMed ID: 20120035). This variant is reported in 0.0079% of alleles in individuals of European (Non-Finnish) descent in gnomAD. At this time, the clinical significance of this variant is uncertain due to the absence of conclusive functional and genetic evidence.

Natera, Inc.
Classification: Uncertain significance for Bardet-Biedl syndrome type 2. Last evaluated: 2020-09-16. Review status: no assertion criteria provided. Collection method: clinical testing. Allele origin: germline. Not counted in ClinVar's aggregate classification.

Counsyl
Classification: Uncertain significance for Bardet-Biedl syndrome 2. Last evaluated: 2017-02-08. Review status: no assertion criteria provided. Collection method: clinical testing. Allele origin: unknown. Not counted in ClinVar's aggregate classification.

Literature cited by the submitters: PubMed 20120035 (cited by 3 submitters).

NM_031885.5(BBS2):c.1885G>A (p.Glu629Lys)

Gene: BBS2 (Bardet-Biedl syndrome 2; minus strand). Cytogenetic location: 16q13.
Variant type: single nucleotide variant.
Coding change: c.1885G>A on transcript NM_031885.5 (MANE Select); coding-DNA position 1885, G replaced by A.
Protein change: p.Glu629Lys; replaces glutamic acid 629 with lysine.
Molecular consequence: missense variant. On other transcripts: non-coding transcript variant (5).
Genome position (GRCh38, 1-based): chr16:56,496,992, C>T on the plus strand (G>A on the coding strand, the complement: BBS2 is on the minus strand). VCF-style: chr16-56496992-C-T. GRCh37 (hg19) VCF-style: chr16-56530904-C-T.
Other names: c.1885G>A, p.Glu629Lys (NM_001377456.1); short protein forms E629K.
Identifiers: ClinVar variation 550587 (VCV000550587.10), dbSNP rs746505864, ClinGen allele CA8065600.
Genomic context (GRCh38, chr16:56,496,992, plus strand): 5'-ACCCTGCACCTGTACTAACCATGACAAATACTCACATGTCCCTCATCAGACGAGCATCCT[C>T]AGCTCCGACCAGCAAACTTCGGATCAAATTAGAATGATCAGCCATATCAGCACTGAGCTT-3'
Protein context (NP_114091.4, residues 619-639): NLIRSLLVGA[Glu629Lys]DARLMRDMKT